The following is an entry in ClinVar:

NM_001375808.2(LPIN2):c.2657C>T (p.Pro886Leu)

Gene: LPIN2 (lipin 2; minus strand). Cytogenetic location: 18p11.31.
Variant type: single nucleotide variant.
Coding change: c.2657C>T on transcript NM_001375808.2 (MANE Select); coding-DNA position 2657, C replaced by T.
Protein change: p.Pro886Leu; replaces proline 886 with leucine.
Molecular consequence: missense variant.
Genome position (GRCh38, 1-based): chr18:2,920,327, G>A on the plus strand (C>T on the coding strand, the complement: LPIN2 is on the minus strand). VCF-style: chr18-2920327-G-A. GRCh37 (hg19) VCF-style: chr18-2920325-G-A.
Other names: c.2657C>T, p.Pro886Leu (NM_001375809.1, NM_014646.2); short protein forms P886L.
Identifiers: ClinVar variation 326633 (VCV000326633.16), dbSNP rs147203309, ClinGen allele CA8872641.
Genomic context (GRCh38, chr18:2,920,327, plus strand): 5'-CCCTGCCCACCCACTGAGGTGCCGCCTCAAGACAGGTCATCCAGGTCCACTTCAGGGATC[G>A]GGTCTCGCCAGTAGCAGAAGGAGCTGAACTCCGGGCAGGGAAAAGCGGAATTCTGCTCCT-3'
Protein context (NP_001362737.1, residues 876-896): EFSSFCYWRD[Pro886Leu]IPEVDLDDLS

ClinVar aggregate classification (germline): Uncertain significance. Review status: criteria provided, multiple submitters, no conflicts (2 of 4 stars). 5 submissions from 5 submitters: Uncertain significance (5). Last evaluated 2024-07-01.

Conditions:
Inborn genetic diseases. Identifiers: MedGen C0950123, MeSH D030342.
Autoinflammatory syndrome. Identifiers: Orphanet 93665, MedGen C3890737, MONDO:0019751.
Majeed syndrome (MJDS). Also called: CHRONIC RECURRENT MULTIFOCAL OSTEOMYELITIS 1, WITH CONGENITAL DYSERYTHROPOIETIC ANEMIA, WITH OR WITHOUT NEUTROPHILIC DERMATOSIS; LPIN2-Related Majeed Syndrome. Identifiers: Orphanet 77297, MedGen C1864997, MONDO:0012316, OMIM 609628.

Allele frequency attached by ClinVar (database versions not stated): gnomAD 0.00011; TOPMed 0.00014; ESP Exome Variant Server 0.00015; 1000 Genomes Project 30x 0.00016.
gnomAD v4.1: 123 of 1,614,146 alleles (0.0076%); highest among the groups gnomAD compares: East Asian, 0.082%; 1 homozygote.

Submissions (5):

Revvity Omics, Revvity
Classification: Uncertain significance for Majeed syndrome. Last evaluated: 2024-07-01. Review status: criteria provided, single submitter. Criteria: ACMG Guidelines, 2015. Collection method: clinical testing. Allele origin: germline.

Ambry Genetics
Classification: Uncertain significance for Inborn genetic diseases. Last evaluated: 2024-06-22. Review status: criteria provided, single submitter. Criteria: Ambry Variant Classification Scheme 2023. Collection method: clinical testing. Allele origin: germline.

Labcorp Genetics (formerly Invitae), Labcorp
Classification: Uncertain significance for Majeed syndrome. Last evaluated: 2022-07-06. Review status: criteria provided, single submitter. Criteria: Invitae Variant Classification Sherloc (09022015). Collection method: clinical testing. Allele origin: germline.
Comment: This sequence change replaces proline, which is neutral and non-polar, with leucine, which is neutral and non-polar, at codon 886 of the LPIN2 protein (p.Pro886Leu). This variant is present in population databases (rs147203309, gnomAD 0.03%). This variant has not been reported in the literature in individuals affected with LPIN2-related conditions. ClinVar contains an entry for this variant (Variation ID: 326633). Algorithms developed to predict the effect of missense changes on protein structure and function are either unavailable or do not agree on the potential impact of this missense change (SIFT: "Deleterious"; PolyPhen-2: "Probably Damaging"; Align-GVGD: "Class C15"). In summary, the available evidence is currently insufficient to determine the role of this variant in disease. Therefore, it has been classified as a Variant of Uncertain Significance.

Genome Diagnostics Laboratory, The Hospital for Sick Children
Classification: Uncertain significance for Autoinflammatory syndrome. Last evaluated: 2021-12-24. Review status: criteria provided, single submitter. Criteria: ACMG Guidelines, 2015. Collection method: clinical testing. Allele origin: germline. Affected: yes.

Illumina Laboratory Services, Illumina
Classification: Uncertain significance for Majeed syndrome. Last evaluated: 2018-01-12. Review status: criteria provided, single submitter. Criteria: ICSL Variant Classification Criteria 13 December 2019. Collection method: clinical testing. Allele origin: germline.